The following is an entry in ClinVar:

NC_000016.10:g.(?_81082846)_(81096298_?)del

Gene: GCSH (glycine cleavage system protein H; minus strand). Cytogenetic location: 16q23.2.
Variant type: Deletion.
Identifiers: ClinVar variation 832058 (VCV000832058.10).

ClinVar aggregate classification (germline): Pathogenic (1 of 4 stars; one submission).

Conditions:
Glycine encephalopathy. Also called: Nonketotic hyperglycinemia; Non-ketotic hyperglycinemia. Identifiers: Orphanet 407, MedGen C0751748, MONDO:0011612, HP:0008288.

Submission:

Labcorp Genetics (formerly Invitae), Labcorp
Classification: Pathogenic for Glycine encephalopathy. Last evaluated: 2022-09-19. Review status: criteria provided, single submitter. Criteria: Invitae Variant Classification Sherloc (09022015). Collection method: clinical testing. Allele origin: germline.
Comment: For these reasons, this variant has been classified as Pathogenic. This variant has not been reported in the literature in individuals affected with GCSH-related conditions. A gross deletion of the genomic region encompassing the full coding sequence of the GCSH gene has been identified. Loss-of-function variants in GCSH are known to be pathogenic (PMID: 33890291). The boundaries of this event are unknown as they extend beyond the assayed region for this gene and therefore may encompass additional genes.

Literature cited by the submitters: PubMed 33890291.